The following is an entry in ClinVar:

ClinVar aggregate classification (germline): Pathogenic (1 of 4 stars; one submission).

Conditions:
Hyperkalemic periodic paralysis. Also called: Familial hyperkalemic periodic paralysis; Gamstorp disease. Identifiers: Orphanet 682, MedGen C0238357, MONDO:0008224, OMIM 170500, HP:0007215.

Allele frequency attached by ClinVar (database versions not stated): ExAC 0.00001; gnomAD 0.00001; TOPMed 0.00002.

Submission:

Labcorp Genetics (formerly Invitae), Labcorp
Classification: Pathogenic for Hyperkalemic periodic paralysis. Last evaluated: 2022-08-31. Review status: criteria provided, single submitter. Criteria: Invitae Variant Classification Sherloc (09022015). Collection method: clinical testing. Allele origin: germline.
Comment: This sequence change creates a premature translational stop signal (p.Arg1059*) in the SCN4A gene. It is expected to result in an absent or disrupted protein product. Loss-of-function variants in SCN4A are known to be pathogenic (PMID: 26700687). This variant is present in population databases (rs775244273, gnomAD 0.004%). This premature translational stop signal has been observed in individual(s) with clinical features of autosomal recessive congenital myopathy (PMID: 30824560). For these reasons, this variant has been classified as Pathogenic.

Literature cited by the submitters: PubMed 26700687; PubMed 30824560.

NM_000334.4(SCN4A):c.3175C>T (p.Arg1059Ter)

Genes: GH-LCR (growth hormone locus control region; plus strand), SCN4A (sodium voltage-gated channel alpha subunit 4; minus strand). Cytogenetic location: 17q23.3.
Variant type: single nucleotide variant.
Coding change: c.3175C>T on transcript NM_000334.4 (MANE Select); coding-DNA position 3175, C replaced by T.
Protein change: p.Arg1059Ter; replaces arginine 1059 with a stop codon.
Molecular consequence: nonsense.
Genome position (GRCh38, 1-based): chr17:63,948,033, G>A on the plus strand (C>T on the coding strand, the complement: SCN4A is on the minus strand). VCF-style: chr17-63948033-G-A. GRCh37 (hg19) VCF-style: chr17-62025393-G-A.
Other names: short protein forms R1059*.
Identifiers: ClinVar variation 2202484 (VCV002202484.4), dbSNP rs775244273, ClinGen allele CA8709358.